The following is an entry in ClinVar:

NM_001018115.3(FANCD2):c.245C>T (p.Thr82Ile)

Genes: FANCD2 (FA complementation group D2; plus strand), LOC107303338 (3p25 FANCD2 Alu-mediated recombination region; plus strand). Cytogenetic location: 3p25.3.
Variant type: single nucleotide variant.
Coding change: c.245C>T on transcript NM_001018115.3 (MANE Select); coding-DNA position 245, C replaced by T.
Protein change: p.Thr82Ile; replaces threonine 82 with isoleucine.
Molecular consequence: missense variant.
Genome position (GRCh38, 1-based): chr3:10,034,508, C>T. VCF-style: chr3-10034508-C-T. GRCh37 (hg19) VCF-style: chr3-10076192-C-T.
Other names: c.245C>T, p.Thr82Ile (NM_001319984.2, NM_001374253.1, NM_001374254.1 and 2 more transcripts); short protein forms T82I.
Identifiers: ClinVar variation 970951 (VCV000970951.7), dbSNP rs1221930544, ClinGen allele CA351720234.

ClinVar aggregate classification (germline): Uncertain significance (1 of 4 stars; one submission).

Conditions:
Fanconi anemia (FA). Also called: Fanconi's anemia. Identifiers: Orphanet 84, MedGen C0015625, MeSH D005199, MONDO:0019391.

Allele frequency attached by ClinVar (database versions not stated): gnomAD 0.00002.
gnomAD v4.1: 3 of 1,612,726 alleles (0.00019%); highest among the groups gnomAD compares: African/African-American, 0.004%; no homozygotes.

Submission:

Labcorp Genetics (formerly Invitae), Labcorp
Classification: Uncertain significance for Fanconi anemia. Last evaluated: 2021-08-03. Review status: criteria provided, single submitter. Criteria: Invitae Variant Classification Sherloc (09022015). Collection method: clinical testing. Allele origin: germline.
Comment: In summary, the available evidence is currently insufficient to determine the role of this variant in disease. Therefore, it has been classified as a Variant of Uncertain Significance. Algorithms developed to predict the effect of missense changes on protein structure and function output the following: SIFT: "Tolerated"; PolyPhen-2: "Benign"; Align-GVGD: "Class C0". The isoleucine amino acid residue is found in multiple mammalian species, suggesting that this missense change does not adversely affect protein function. These predictions have not been confirmed by published functional studies and their clinical significance is uncertain. This variant has not been reported in the literature in individuals with FANCD2-related conditions. This variant is not present in population databases (ExAC no frequency). This sequence change replaces threonine with isoleucine at codon 82 of the FANCD2 protein (p.Thr82Ile). The threonine residue is weakly conserved and there is a moderate physicochemical difference between threonine and isoleucine.